The following is an entry in ClinVar:

ClinVar aggregate classification (germline): Pathogenic/Likely pathogenic. Review status: criteria provided, multiple submitters, no conflicts (2 of 4 stars). 6 submissions from 6 submitters: Pathogenic (4); Likely pathogenic (2). Last evaluated 2026-05-01.

Conditions:
Charcot-Marie-Tooth disease axonal type 2S. Also called: CHARCOT-MARIE-TOOTH NEUROPATHY, TYPE 2S; CHARCOT-MARIE-TOOTH DISEASE, AXONAL, AUTOSOMAL RECESSIVE, TYPE 2S. Identifiers: Orphanet 443073, MedGen C4015349, MONDO:0014511, OMIM 616155.
Autosomal recessive distal spinal muscular atrophy 1. Also called: Spinal muscular atrophy with respiratory distress 1; HMN VI; NEURONOPATHY, SEVERE INFANTILE AXONAL, WITH RESPIRATORY FAILURE; NEURONOPATHY, DISTAL HEREDITARY MOTOR, HARDING TYPE VI; NEUROPATHY, DISTAL HEREDITARY MOTOR, AUTOSOMAL RECESSIVE 1; SEVERE INFANTILE AXONAL NEUROPATHY WITH RESPIRATORY FAILURE. Identifiers: Orphanet 98920, MedGen C1858517, MONDO:0011436, OMIM 604320.

Allele frequency attached by ClinVar (database versions not stated): gnomAD exomes below 0.00001; TOPMed below 0.00001.

Submissions (6):

CeGaT Center for Human Genetics Tuebingen
Classification: Pathogenic. Last evaluated: 2026-05-01. Review status: criteria provided, single submitter. Criteria: CeGaT Center For Human Genetics Tuebingen Variant Classification Criteria Version 2. Collection method: clinical testing. Allele origin: germline. Affected: yes. Observed: 1 variant allele.
Comment: IGHMBP2: PM3:Strong, PVS1:Strong, PM2

Labcorp Genetics (formerly Invitae), Labcorp
Classification: Pathogenic for Autosomal recessive distal spinal muscular atrophy 1; Charcot-Marie-Tooth disease axonal type 2S. Last evaluated: 2024-08-12. Review status: criteria provided, single submitter. Criteria: Invitae Variant Classification Sherloc (09022015). Collection method: clinical testing. Allele origin: germline.
Comment: This sequence change creates a premature translational stop signal (p.Gln847Argfs*131) in the IGHMBP2 gene. While this is not anticipated to result in nonsense mediated decay, it is expected to disrupt the last 147 amino acid(s) of the IGHMBP2 protein. This variant is present in population databases (no rsID available, gnomAD 0.001%). This variant has not been reported in the literature in individuals affected with IGHMBP2-related conditions. ClinVar contains an entry for this variant (Variation ID: 935895). This variant disrupts a region of the IGHMBP2 protein in which other variant(s) (p.Arg971Glufs*4, p.Lys868Profs*109) have been determined to be pathogenic (PMID: 23566544, 26298607). This suggests that this is a clinically significant region of the protein, and that variants that disrupt it are likely to be disease-causing. For these reasons, this variant has been classified as Pathogenic.

Dubai Health Genomic Medicine Center, Dubai Health
Classification: Pathogenic. Last evaluated: 2022-12-17. Review status: criteria provided, single submitter. Criteria: ACMG Guidelines, 2015. Collection method: clinical testing. Allele origin: germline. Affected: yes.

Institute for Medical Genetics and Human Genetics, Charité - Universitätsmedizin Berlin
Classification: Likely pathogenic for Autosomal recessive distal spinal muscular atrophy 1. Last evaluated: 2022-09-22. Review status: criteria provided, single submitter. Criteria: ACMG Guidelines, 2015. Collection method: clinical testing. Allele origin: germline. Inheritance: Autosomal recessive inheritance. Affected: yes. Observed: 1 compound heterozygote.

GeneDx
Classification: Likely pathogenic. Last evaluated: 2022-09-16. Review status: criteria provided, single submitter. Criteria: GeneDx Variant Classification Process June 2021. Collection method: clinical testing. Allele origin: germline. Affected: yes.
Comment: Frameshift variant predicted to result in protein truncation, as the last 147 amino acids are replaced with 130 different amino acids, and other loss-of-function variants have been reported downstream in HGMD; Not observed at significant frequency in large population cohorts (gnomAD); Has not been previously published as pathogenic or benign to our knowledge

Genetics Laboratory, Department of Biology, Semnan University
Classification: Pathogenic for Charcot-Marie-Tooth disease axonal type 2S. Last evaluated: 2019-04-22. Review status: criteria provided, single submitter. Criteria: ACMG Guidelines, 2015. Collection method: case-control. Allele origin: inherited. Inheritance: Autosomal recessive inheritance. Affected: yes. Observed: 1 heterozygote.
Comment: The WES analysis identified a frameshift mutation in the IGHMBP2 gene on chromosome11 (NM_002180.3); chr11:68937020delA c.2540delA: p.Q847fs. The mutation was predicted to be pathogenic based on ACMG guidelines. Our review of the public resources, local population database, and the literature revealed that there is no previous publication describing this mutation.

Literature cited by the submitters: PubMed 23566544 (cited by Labcorp Genetics (formerly Invitae), Labcorp); PubMed 26298607 (cited by Labcorp Genetics (formerly Invitae), Labcorp).

NM_002180.3(IGHMBP2):c.2540del (p.Gln847fs)

Gene: IGHMBP2 (immunoglobulin mu DNA binding protein 2; plus strand). Cytogenetic location: 11q13.3.
Variant type: Deletion.
Coding change: c.2540del on transcript NM_002180.3 (MANE Select); coding-DNA position 2540, one base deleted (A; older notation c.2540delA).
Protein change: p.Gln847fs; shifts the reading frame from glutamine 847.
Molecular consequence: frameshift variant.
Genome position (GRCh38, 1-based): chr11:68,937,020, A deleted. VCF-style (leftmost placement, unchanged base first): chr11-68937019-CA-C. GRCh37 (hg19) VCF-style: chr11-68704487-CA-C.
Other names: c.2540delA (NM_002180.3); short protein forms Q847fs.
Identifiers: ClinVar variation 935895 (VCV000935895.17), dbSNP rs1225532037, ClinGen allele CA599992469.